The following is an entry in ClinVar:

NM_004168.4(SDHA):c.1308C>G (p.Tyr436Ter)

Gene: SDHA (succinate dehydrogenase complex flavoprotein subunit A; plus strand). Cytogenetic location: 5p15.33.
Variant type: single nucleotide variant.
Coding change: c.1308C>G on transcript NM_004168.4 (MANE Select); coding-DNA position 1308, C replaced by G.
Protein change: p.Tyr436Ter; replaces tyrosine 436 with a stop codon.
Molecular consequence: nonsense.
Genome position (GRCh38, 1-based): chr5:236,475, C>G. VCF-style: chr5-236475-C-G. GRCh37 (hg19) VCF-style: chr5-236590-C-G.
Other names: c.1164C>G, p.Tyr388Ter (NM_001294332.2); c.1308C>G, p.Tyr436Ter (NM_001330758.2); short protein forms Y388*, Y436*.
Identifiers: ClinVar variation 4546887 (VCV004546887.1).
Genomic context (GRCh38, chr5:236,475, plus strand): 5'-TTCCTTTCCACAGGTCCTGAGGCACGTGAATGGCCAGGATCAGATTGTGCCCGGCCTGTA[C>G]GCCTGTGGGGAGGCCGCCTGTGCCTCGGTACATGGTGCCAACCGCCTCGGGGCAAACTCG-3'

ClinVar aggregate classification (germline): Pathogenic (1 of 4 stars; one submission).

Conditions:
Hereditary cancer-predisposing syndrome. Also called: Tumor predisposition; Hereditary Cancer Syndrome; Hereditary neoplastic syndrome; Neoplastic Syndromes, Hereditary. Identifiers: Orphanet 140162, MedGen C0027672, MeSH D009386, MONDO:0015356.

Submission:

Ambry Genetics
Classification: Pathogenic for Hereditary cancer-predisposing syndrome. Last evaluated: 2025-11-04. Review status: criteria provided, single submitter. Criteria: Ambry Variant Classification Scheme 2023. Collection method: clinical testing. Allele origin: germline.
Comment: The p.Y436* pathogenic mutation (also known as c.1308C>G), located in coding exon 10 of the SDHA gene, results from a C to G substitution at nucleotide position 1308. This changes the amino acid from a tyrosine to a stop codon within coding exon 10. This variant is considered to be rare based on population cohorts in the Genome Aggregation Database (gnomAD). This alteration is expected to result in loss of function by premature protein truncation or nonsense-mediated mRNA decay. As such, this alteration is interpreted as a disease-causing mutation.